The following is an entry in ClinVar:

ClinVar aggregate classification (germline): Uncertain significance (1 of 4 stars; one submission).

Allele frequency attached by ClinVar (database versions not stated): TOPMed 0.00004; gnomAD exomes 0.00001; gnomAD 0.00003; ExAC 0.00001.
gnomAD v4.1: 16 of 1,614,094 alleles (0.00099%); highest among the groups gnomAD compares: African/African-American, 0.012%; no homozygotes.

Submission:

Labcorp Genetics (formerly Invitae), Labcorp
Classification: Uncertain significance. Last evaluated: 2025-12-08. Review status: criteria provided, single submitter. Criteria: Invitae Variant Classification Sherloc (09022015). Collection method: clinical testing. Allele origin: germline.
Comment: This sequence change replaces aspartic acid, which is acidic and polar, with asparagine, which is neutral and polar, at codon 116 of the SLC18A2 protein (p.Asp116Asn). This variant is present in population databases (rs749839776, gnomAD 0.01%). This variant has not been reported in the literature in individuals affected with SLC18A2-related conditions. ClinVar contains an entry for this variant (Variation ID: 2963772). An algorithm developed to predict the effect of missense changes on protein structure and function (PolyPhen-2) suggests that this variant is likely to be tolerated. In summary, the available evidence is currently insufficient to determine the role of this variant in disease. Therefore, it has been classified as a Variant of Uncertain Significance.

NM_003054.6(SLC18A2):c.346G>A (p.Asp116Asn)

Gene: SLC18A2 (solute carrier family 18 member A2; plus strand). Cytogenetic location: 10q25.3.
Variant type: single nucleotide variant.
Coding change: c.346G>A on transcript NM_003054.6 (MANE Select); coding-DNA position 346, G replaced by A.
Protein change: p.Asp116Asn; replaces aspartic acid 116 with asparagine.
Molecular consequence: missense variant.
Genome position (GRCh38, 1-based): chr10:117,244,195, G>A. VCF-style: chr10-117244195-G-A. GRCh37 (hg19) VCF-style: chr10-119003706-G-A.
Other names: short protein forms D116N.
Identifiers: ClinVar variation 2963772 (VCV002963772.3), dbSNP rs749839776, ClinGen allele CA5710249.